The following is an entry in ClinVar:

ClinVar aggregate classification (germline): Uncertain significance. Review status: criteria provided, multiple submitters, no conflicts (2 of 4 stars). 2 submissions from 2 submitters: Uncertain significance (2). Last evaluated 2022-11-15.

Allele frequency attached by ClinVar (database versions not stated): gnomAD exomes below 0.00001.
gnomAD v4.1: 2 of 1,614,146 alleles (0.00012%); no homozygotes.

Submissions (2):

Labcorp Genetics (formerly Invitae), Labcorp
Classification: Uncertain significance. Last evaluated: 2022-11-15. Review status: criteria provided, single submitter. Criteria: Invitae Variant Classification Sherloc (09022015). Collection method: clinical testing. Allele origin: germline.
Comment: In summary, the available evidence is currently insufficient to determine the role of this variant in disease. Therefore, it has been classified as a Variant of Uncertain Significance. Algorithms developed to predict the effect of missense changes on protein structure and function are either unavailable or do not agree on the potential impact of this missense change (SIFT: "Deleterious"; PolyPhen-2: "Not Available"; Align-GVGD: "Class C0"). ClinVar contains an entry for this variant (Variation ID: 1317324). This variant has not been reported in the literature in individuals affected with COL4A1-related conditions. This variant is not present in population databases (gnomAD no frequency). This sequence change replaces threonine, which is neutral and polar, with alanine, which is neutral and non-polar, at codon 1525 of the COL4A1 protein (p.Thr1525Ala).

GeneDx
Classification: Uncertain significance. Last evaluated: 2021-04-16. Review status: criteria provided, single submitter. Criteria: GeneDx Variant Classification Process June 2021. Collection method: clinical testing. Allele origin: germline. Affected: yes.
Comment: Not observed in large population cohorts (Lek et al., 2016); In silico analysis supports that this missense variant has a deleterious effect on protein structure/function; Has not been previously published as pathogenic or benign to our knowledge

NM_001845.6(COL4A1):c.4573A>G (p.Thr1525Ala)

Gene: COL4A1 (collagen type IV alpha 1 chain; minus strand). Cytogenetic location: 13q34.
Variant type: single nucleotide variant.
Coding change: c.4573A>G on transcript NM_001845.6 (MANE Select); coding-DNA position 4573, A replaced by G.
Protein change: p.Thr1525Ala; replaces threonine 1525 with alanine.
Molecular consequence: missense variant.
Genome position (GRCh38, 1-based): chr13:110,161,259, T>C on the plus strand (A>G on the coding strand, the complement: COL4A1 is on the minus strand). VCF-style: chr13-110161259-T-C. GRCh37 (hg19) VCF-style: chr13-110813606-T-C.
Other names: short protein forms T1525A.
Identifiers: ClinVar variation 1317324 (VCV001317324.6), dbSNP rs2138427724, ClinGen allele CA388657256.